The following is an entry in ClinVar:

ClinVar aggregate classification (germline): Uncertain significance (1 of 4 stars; one submission).

Allele frequency attached by ClinVar (database versions not stated): gnomAD exomes below 0.00001; gnomAD 0.00001.
gnomAD v4.1: 3 of 1,613,286 alleles (0.00019%); highest among the groups gnomAD compares: African/African-American, 0.004%; no homozygotes.

Submission:

Labcorp Genetics (formerly Invitae), Labcorp
Classification: Uncertain significance. Last evaluated: 2022-06-15. Review status: criteria provided, single submitter. Criteria: Invitae Variant Classification Sherloc (09022015). Collection method: clinical testing. Allele origin: germline.
Comment: In summary, the available evidence is currently insufficient to determine the role of this variant in disease. Therefore, it has been classified as a Variant of Uncertain Significance. Algorithms developed to predict the effect of sequence changes on RNA splicing suggest that this variant may disrupt the consensus splice site. This variant has not been reported in the literature in individuals affected with C5-related conditions. This variant is not present in population databases (gnomAD no frequency). This sequence change falls in intron 40 of the C5 gene. It does not directly change the encoded amino acid sequence of the C5 protein.

NM_001735.3(C5):c.4902-5G>A

Gene: C5 (complement C5; minus strand). Cytogenetic location: 9q33.2.
Variant type: single nucleotide variant.
Coding change: c.4902-5G>A on transcript NM_001735.3 (MANE Select); 5 bases into the intron before coding-DNA position 4902, G replaced by A.
Molecular consequence: intron variant.
Genome position (GRCh38, 1-based): chr9:120,952,873, C>T on the plus strand (G>A on the coding strand, the complement: C5 is on the minus strand). VCF-style: chr9-120952873-C-T. GRCh37 (hg19) VCF-style: chr9-123715151-C-T.
Other names: c.4920-5G>A (NM_001317163.2).
Identifiers: ClinVar variation 1973743 (VCV001973743.5), dbSNP rs963102358, ClinGen allele CA199378608.